The following is an entry in ClinVar:

NM_001166292.2(PTCH2):c.3425+728T>C

Gene: PTCH2 (patched 2; minus strand). Cytogenetic location: 1p34.1.
Variant type: single nucleotide variant.
Coding change: c.3425+728T>C on transcript NM_001166292.2; 728 bases into the intron after coding-DNA position 3425, T replaced by C.
Molecular consequence: intron variant.
Genome position (GRCh38, 1-based): chr1:44,821,874, A>G on the plus strand (T>C on the coding strand, the complement: PTCH2 is on the minus strand). VCF-style: chr1-44821874-A-G. GRCh37 (hg19) VCF-style: chr1-45287546-A-G.
Identifiers: ClinVar variation 2638779 (VCV002638779.22), dbSNP rs147018154, ClinGen allele CA822629.

ClinVar aggregate classification (germline): Likely benign (1 of 4 stars; one submission).

Allele frequency attached by ClinVar (database versions not stated): 1000 Genomes Project 30x 0.00234; ExAC 0.00491; 1000 Genomes Project 0.00200; ESP Exome Variant Server 0.00611; TOPMed 0.00353; gnomAD 0.00452.
gnomAD v4.1: 8,251 of 1,365,722 alleles (0.6%); highest among the groups gnomAD compares: Non-Finnish European, 0.71%; 22 homozygotes.

Submission:

CeGaT Center for Human Genetics Tuebingen
Classification: Likely benign. Last evaluated: 2023-04-01. Review status: criteria provided, single submitter. Criteria: CeGaT Center For Human Genetics Tuebingen Variant Classification Criteria Version 2. Collection method: clinical testing. Allele origin: germline. Affected: yes. Observed: 5 variant alleles.
Comment: PTCH2: BS2